The following is an entry in ClinVar:

NM_003848.4(SUCLG2):c.1099G>A (p.Val367Ile)

Gene: SUCLG2 (succinate-CoA ligase GDP-forming subunit beta; minus strand). Cytogenetic location: 3p14.1.
Variant type: single nucleotide variant.
Coding change: c.1099G>A on transcript NM_003848.4 (MANE Select); coding-DNA position 1099, G replaced by A.
Protein change: p.Val367Ile; replaces valine 367 with isoleucine.
Molecular consequence: missense variant.
Genome position (GRCh38, 1-based): chr3:67,400,815, C>T on the plus strand (G>A on the coding strand, the complement: SUCLG2 is on the minus strand). VCF-style: chr3-67400815-C-T. GRCh37 (hg19) VCF-style: chr3-67451239-C-T.
Other names: c.1099G>A, p.Val367Ile (NM_001177599.2); short protein forms V367I.
Identifiers: ClinVar variation 2526945 (VCV002526945.5), dbSNP rs115935149, ClinGen allele CA2485782.
Genomic context (GRCh38, chr3:67,400,815, plus strand): 5'-CCTTGAGTTCTAGCTCCCGGCAGGCTTTGGTGATCCCATTGGCAATGATGGCACAGTTGA[C>T]GATACCACCAAATATATTGACAAGGATGGCTTCAACCTGAAATCAAAAATAAAAAGTTAC-3'
Protein context (NP_003839.2, residues 357-377): AILVNIFGGI[Val367Ile]NCAIIANGIT

ClinVar aggregate classification (germline): Uncertain significance. Review status: criteria provided, multiple submitters, no conflicts (2 of 4 stars). 2 submissions from 2 submitters: Uncertain significance (2). Last evaluated 2025-08-31.

Allele frequency attached by ClinVar (database versions not stated): gnomAD 0.00001; ExAC 0.00003; gnomAD exomes 0.00005; 1000 Genomes Project 0.00020; 1000 Genomes Project 30x 0.00031.
gnomAD v4.1: 79 of 1,612,374 alleles (0.0049%); highest among the groups gnomAD compares: Middle Eastern, 0.018%; no homozygotes.

Submissions (2):

Ambry Genetics
Classification: Uncertain significance. Last evaluated: 2025-08-31. Review status: criteria provided, single submitter. Criteria: Ambry Variant Classification Scheme 2023. Collection method: clinical testing. Allele origin: germline.

Labcorp Genetics (formerly Invitae), Labcorp
Classification: Uncertain significance. Last evaluated: 2024-06-21. Review status: criteria provided, single submitter. Criteria: Invitae Variant Classification Sherloc (09022015). Collection method: clinical testing. Allele origin: germline.
Comment: This sequence change replaces valine, which is neutral and non-polar, with isoleucine, which is neutral and non-polar, at codon 367 of the SUCLG2 protein (p.Val367Ile). This variant is present in population databases (rs115935149, gnomAD 0.004%). This variant has not been reported in the literature in individuals affected with SUCLG2-related conditions. ClinVar contains an entry for this variant (Variation ID: 2526945). An algorithm developed to predict the effect of missense changes on protein structure and function (PolyPhen-2) suggests that this variant is likely to be tolerated. In summary, the available evidence is currently insufficient to determine the role of this variant in disease. Therefore, it has been classified as a Variant of Uncertain Significance.